The following is an entry in ClinVar:

ClinVar aggregate classification (germline): Uncertain significance (1 of 4 stars; one submission).

Conditions:
Inborn genetic diseases. Identifiers: MedGen C0950123, MeSH D030342.

Submission:

Ambry Genetics
Classification: Uncertain significance for Inborn genetic diseases. Last evaluated: 2021-07-15. Review status: criteria provided, single submitter. Criteria: Ambry Variant Classification Scheme 2023. Collection method: clinical testing. Allele origin: germline.
Comment: The c.3149_3151delATA (p.N1050del) alteration is located in exon 11 (coding exon 10) of the KNL1 gene. This alteration consists of an in-frame deletion of 3 nucleotides between nucleotide positions c.3149 and c.3151, resulting in the deletion of <NA> residues. Based on insufficient or conflicting evidence, the clinical significance of this alteration remains unclear.

NM_144508.5(KNL1):c.3068ATA[1] (p.Asn1024del)

Gene: KNL1 (kinetochore scaffold 1; plus strand). Cytogenetic location: 15q15.1.
Variant type: Microsatellite.
Coding change: c.3068ATA[1] on transcript NM_144508.5 (MANE Select); one copy of the 3-base unit ATA starting at c.3068; the reference has two copies in a row; one copy, 3 bases deleted.
Protein change: p.Asn1024del; deletes asparagine 1024.
Molecular consequence: inframe deletion.
Genome position (GRCh38, 1-based): chr15:40,623,335-40,623,337, ATA deleted; deleting any 3 consecutive bases within chr15:40,623,330-40,623,337 gives the same sequence; the position shown is the placement nearest the transcript's 3' end. VCF-style (leftmost placement, unchanged base first): chr15-40623329-CTAA-C. GRCh37 (hg19) VCF-style: chr15-40915527-CTAA-C.
Other names: c.3146ATA[1], p.Asn1050del (NM_170589.5); short protein forms N1050del, N1024del.
Identifiers: ClinVar variation 2405650 (VCV002405650.2), dbSNP rs2504276832, ClinGen allele CA2575680359.
Genomic context (GRCh38, chr15:40,623,329, plus strand): 5'-ATGGTGAAAGTGACCGTCTAGTAGCAAATGACAGCCAGCTAACCCCTCTGGAGGAATGGT[CTAA>C]TAATAGGGGCCCTGTAGAGGTAGCTGATAACATGGAATTGTCTAAATCAGCCACTTGCAA-3'